The following is an entry in ClinVar:

ClinVar aggregate classification (germline): Conflicting classifications of pathogenicity. Review status: criteria provided, conflicting classifications (1 of 4 stars). 3 submissions from 3 submitters: Uncertain significance (2); Likely benign (1). Last evaluated 2025-04-11.

Conditions:
Cardiovascular phenotype. Identifiers: MedGen CN230736.
Dilated cardiomyopathy 1KK (CMD1KK). Identifiers: Orphanet 154, Orphanet 75249, MedGen C3714995, MONDO:0014100, OMIM 615248.

Allele frequency attached by ClinVar (database versions not stated): gnomAD 0.00001; gnomAD exomes 0.00001; ExAC 0.00002.
gnomAD v4.1: 13 of 1,613,818 alleles (0.00081%); highest among the groups gnomAD compares: Admixed American, 0.022%; no homozygotes.

Submissions (3):

Women's Health and Genetics/Laboratory Corporation of America, LabCorp
Classification: Uncertain significance. Last evaluated: 2025-04-11. Review status: criteria provided, single submitter. Criteria: LabCorp Variant Classification Summary - May 2015. Collection method: clinical testing. Allele origin: germline.

Labcorp Genetics (formerly Invitae), Labcorp
Classification: Uncertain significance for Dilated cardiomyopathy 1KK. Last evaluated: 2025-03-24. Review status: criteria provided, single submitter. Criteria: Invitae Variant Classification Sherloc (09022015). Collection method: clinical testing. Allele origin: germline.
Comment: This sequence change replaces serine, which is neutral and polar, with threonine, which is neutral and polar, at codon 857 of the MYPN protein (p.Ser857Thr). This variant is present in population databases (rs768419250, gnomAD 0.03%). This variant has not been reported in the literature in individuals affected with MYPN-related conditions. ClinVar contains an entry for this variant (Variation ID: 1793204). An algorithm developed to predict the effect of missense changes on protein structure and function (PolyPhen-2) suggests that this variant is likely to be tolerated. In summary, the available evidence is currently insufficient to determine the role of this variant in disease. Therefore, it has been classified as a Variant of Uncertain Significance.

Ambry Genetics
Classification: Likely benign for Cardiovascular phenotype. Last evaluated: 2024-09-23. Review status: criteria provided, single submitter. Criteria: Ambry Variant Classification Scheme 2023. Collection method: clinical testing. Allele origin: germline.

NM_032578.4(MYPN):c.2569T>A (p.Ser857Thr)

Gene: MYPN (myopalladin; plus strand). Cytogenetic location: 10q21.3.
Variant type: single nucleotide variant.
Coding change: c.2569T>A on transcript NM_032578.4 (MANE Select); coding-DNA position 2569, T replaced by A.
Protein change: p.Ser857Thr; replaces serine 857 with threonine.
Molecular consequence: missense variant. On other transcripts: non-coding transcript variant (1).
Genome position (GRCh38, 1-based): chr10:68,175,327, T>A. VCF-style: chr10-68175327-T-A. GRCh37 (hg19) VCF-style: chr10-69935084-T-A.
Other names: c.2569T>A, p.Ser857Thr (NM_001256267.2); c.1687T>A, p.Ser563Thr (NM_001256268.2); short protein forms S857T, S563T.
Identifiers: ClinVar variation 1793204 (VCV001793204.8), dbSNP rs768419250, ClinGen allele CA5522822.